The following is an entry in ClinVar:

NM_001289104.2(PRKCSH):c.1467_1477del (p.Leu490fs)

Gene: PRKCSH (PRKCSH beta subunit of glucosidase II; plus strand). Cytogenetic location: 19p13.2.
Variant type: Deletion.
Coding change: c.1467_1477del on transcript NM_001289104.2 (MANE Select); coding-DNA positions 1467 to 1477, 11 bases deleted (CCTCCTGTGCG).
Protein change: p.Leu490fs; shifts the reading frame from leucine 490.
Molecular consequence: frameshift variant.
Genome position (GRCh38, 1-based): chr19:11,449,271-11,449,281, CCTCCTGTGCG deleted; deleting any 11 consecutive bases within chr19:11,449,266-11,449,281 gives the same sequence; the c. name uses the placement nearest the transcript's 3' end. VCF-style (leftmost placement, unchanged base first): chr19-11449265-GGTGCGCCTCCT-G. GRCh37 (hg19) VCF-style: chr19-11560080-GGTGCGCCTCCT-G.
Other names: c.1437_1447del, p.Leu480fs (NM_001001329.3, NM_001289102.2, NM_001379609.1); c.1467_1477del, p.Leu490fs (NM_001289103.2); c.1446_1456del, p.Leu483fs (NM_001379608.1, NM_002743.3); short protein forms L483fs, L480fs, L490fs.
Identifiers: ClinVar variation 2752177 (VCV002752177.3), dbSNP rs2512544189, ClinGen allele CA2576630416.

ClinVar aggregate classification (germline): Pathogenic (1 of 4 stars; one submission).

Submission:

Labcorp Genetics (formerly Invitae), Labcorp
Classification: Pathogenic. Last evaluated: 2024-02-23. Review status: criteria provided, single submitter. Criteria: Invitae Variant Classification Sherloc (09022015). Collection method: clinical testing. Allele origin: germline.
Comment: This sequence change creates a premature translational stop signal (p.Leu483Glufs*32) in the PRKCSH gene. It is expected to result in an absent or disrupted protein product. Loss-of-function variants in PRKCSH are known to be pathogenic (PMID: 12529853, 12577059, 20095989). This variant is not present in population databases (gnomAD no frequency). This variant has not been reported in the literature in individuals affected with PRKCSH-related conditions. Algorithms developed to predict the effect of sequence changes on RNA splicing suggest that this variant may disrupt the consensus splice site. For these reasons, this variant has been classified as Pathogenic.

Literature cited by the submitters: PubMed 12529853; PubMed 12577059; PubMed 20095989.